The following is an entry in ClinVar:

ClinVar aggregate classification (germline): Likely pathogenic. Review status: criteria provided, multiple submitters, no conflicts (2 of 4 stars). 4 submissions from 4 submitters: Likely pathogenic (4). Last evaluated 2025-03-21.

Conditions:
Megalencephalic leukoencephalopathy with subcortical cysts. Also called: VAN DER KNAAP DISEASE. Identifiers: Orphanet 2478, MedGen C1858854, MONDO:0011391.
Megalencephalic leukoencephalopathy with subcortical cysts 1 (MLC1). Also called: VACUOLATING MEGALENCEPHALIC LEUKOENCEPHALOPATHY WITH SUBCORTICAL CYSTS; LEUKOENCEPHALOPATHY WITH SWELLING AND CYSTS. Identifiers: Orphanet 2478, MedGen C5779875, MONDO:0024555, OMIM 604004.

gnomAD v4.1: 5 of 1,613,898 alleles (0.00031%); highest among the groups gnomAD compares: African/African-American, 0.0013%; no homozygotes.

Submissions (4):

Natera, Inc.
Classification: Likely pathogenic for Megalencephalic leukoencephalopathy with subcortical cysts. Last evaluated: 2025-03-21. Review status: criteria provided, single submitter. Criteria: Natera Variant Classification Schema (03/2026). Collection method: clinical testing. Allele origin: germline.
Comment: The c.470C>A variant in MLC1 is a missense variant predicted to cause substitution of alanine to glutamic acid at amino acid 157. This variant is rare in the general population with a frequency below the threshold expected for the associated phenotype(s). This variant has been observed in one or more individuals affected with the associated recessive disease, as either homozygous or compound heterozygous with a second variant (PMID: 15037685, 23851226). Functional studies show that this variant may disrupt protein function (PMID: 18757878). Computational prediction algorithms indicate this variant is likely to affect gene or protein function. Given the available evidence, this variant is classified as Likely Pathogenic.

Fulgent Genetics
Classification: Likely pathogenic for Megalencephalic leukoencephalopathy with subcortical cysts 1. Last evaluated: 2024-03-24. Review status: criteria provided, single submitter. Criteria: ACMG Guidelines, 2015. Collection method: clinical testing. Allele origin: germline.

Baylor Genetics
Classification: Likely pathogenic for Megalencephalic leukoencephalopathy with subcortical cysts 1. Last evaluated: 2023-05-19. Review status: criteria provided, single submitter. Criteria: ACMG Guidelines, 2015. Collection method: clinical testing. Allele origin: unknown.

GeneDx
Classification: Likely pathogenic. Last evaluated: 2022-02-08. Review status: criteria provided, single submitter. Criteria: GeneDx Variant Classification Process June 2021. Collection method: clinical testing. Allele origin: germline. Affected: yes.
Comment: Identified in apparent homozygous state or with a second MLC1 variant, phase unknown, in individuals with megalencephalic leukoencephalopathy in the published literature (Gorospe et al., 2004; Petrini et al., 2013); please note this variant is also referred to as c.660 C>A by Gorospe et al.; Published functional studies demonstrate A157E reduces plasma membrane expression (Duarri et al., 2008); Not observed at significant frequency in large population cohorts (gnomAD); This variant is associated with the following publications: (PMID: 15037685, 23851226, 18757878, 12497630)

Literature cited by the submitters: PubMed 15037685 (cited by Natera, Inc.); PubMed 23851226 (cited by Natera, Inc.); PubMed 18757878 (cited by Natera, Inc.).

NM_015166.4(MLC1):c.470C>A (p.Ala157Glu)

Gene: MLC1 (modulator of VRAC current 1; minus strand). Cytogenetic location: 22q13.33.
Variant type: single nucleotide variant.
Coding change: c.470C>A on transcript NM_015166.4 (MANE Select); coding-DNA position 470, C replaced by A.
Protein change: p.Ala157Glu; replaces alanine 157 with glutamic acid.
Molecular consequence: missense variant. On other transcripts: non-coding transcript variant (3).
Genome position (GRCh38, 1-based): chr22:50,077,456, G>T on the plus strand (C>A on the coding strand, the complement: MLC1 is on the minus strand). VCF-style: chr22-50077456-G-T. GRCh37 (hg19) VCF-style: chr22-50515885-G-T.
Other names: c.470C>A, p.Ala157Glu (NM_001376472.1, NM_001376473.1, NM_001376474.1 and 6 more transcripts); c.380C>A, p.Ala127Glu (NM_001376480.1); c.368C>A, p.Ala123Glu (NM_001376481.1); c.314C>A, p.Ala105Glu (NM_001376482.1, NM_001376483.1); c.233C>A, p.Ala78Glu (NM_001376484.1); short protein forms A105E, A123E, A127E, A157E, A78E.
Identifiers: ClinVar variation 1700453 (VCV001700453.5), dbSNP rs1219458189, ClinGen allele CA412109796.
Genomic context (GRCh38, chr22:50,077,456, plus strand): 5'-CCCACCTTCTTTTTCTTGCAGTCCTCCTCGCTGGACCGTGCAGCGATGATCACCGTGGCC[G>T]CCATGAGCAGCTCCAGCAGGAGCAGCAGGATGAGGTTGAAGTTGATCTGCCAAGGGGCAC-3'
Protein context (NP_055981.1, residues 147-167): ILLLLLELLM[Ala157Glu]ATVIIAARSS